The following is an entry in ClinVar:

ClinVar aggregate classification (germline): Pathogenic (1 of 4 stars; one submission).

Submission:

Labcorp Genetics (formerly Invitae), Labcorp
Classification: Pathogenic. Last evaluated: 2024-04-29. Review status: criteria provided, single submitter. Criteria: Invitae Variant Classification Sherloc (09022015). Collection method: clinical testing. Allele origin: germline.
Comment: This sequence change creates a premature translational stop signal (p.Arg1073Asnfs*32) in the ADAMTS18 gene. It is expected to result in an absent or disrupted protein product. Loss-of-function variants in ADAMTS18 are known to be pathogenic (PMID: 23818446, 24874986). This variant is not present in population databases (gnomAD no frequency). This variant has not been reported in the literature in individuals affected with ADAMTS18-related conditions. For these reasons, this variant has been classified as Pathogenic.

Literature cited by the submitters: PubMed 23818446; PubMed 24874986.

NM_199355.4(ADAMTS18):c.3199_3217dup (p.Arg1073fs)

Gene: ADAMTS18 (ADAM metallopeptidase with thrombospondin type 1 motif 18; minus strand). Cytogenetic location: 16q23.1.
Variant type: Duplication.
Coding change: c.3199_3217dup on transcript NM_199355.4 (MANE Select); coding-DNA positions 3199 to 3217, 19 bases duplicated (ACCTGTGGTTTGGGTGTGA).
Protein change: p.Arg1073fs; shifts the reading frame from arginine 1073.
Molecular consequence: frameshift variant.
Genome position (GRCh38, 1-based): chr16:77,291,451-77,291,469, TCACACCCAAACCACAGGT duplicated on the plus strand (ACCTGTGGTTTGGGTGTGA on the coding strand, the reverse complement: ADAMTS18 is on the minus strand); duplicating any 19 consecutive bases within chr16:77,291,451-77,291,470 gives the same sequence; the c. name uses the placement nearest the transcript's 3' end. VCF-style (leftmost placement, unchanged base first): chr16-77291450-C-CTCACACCCAAACCACAGGT. GRCh37 (hg19) VCF-style: chr16-77325347-C-CTCACACCCAAACCACAGGT.
Other names: c.2683_2701dup, p.Arg901fs (NM_001326358.2); short protein forms R901fs, R1073fs.
Identifiers: ClinVar variation 3651475 (VCV003651475.2).
Genomic context (GRCh38, chr16:77,291,450, plus strand): 5'-TCTGGGAAAGTTATCAGCTTTCCCTGGAAGCCCTTCTCGCTGCACTTCATCTCCCTCTTC[C>CTCACACCCAAACCACAGGT]TCACACCCAAACCACAGGTTGCAGAACACTAGGAGCCAAGACAGGATGTGTAAAAGTGAA-3'